The following is an entry in ClinVar:

ClinVar aggregate classification (germline): Uncertain significance (1 of 4 stars; one submission).

Submission:

GeneDx
Classification: Uncertain significance. Last evaluated: 2023-07-13. Review status: criteria provided, single submitter. Criteria: GeneDx Variant Classification Process June 2021. Collection method: clinical testing. Allele origin: germline. Affected: yes.
Comment: Not observed at significant frequency in large population cohorts (gnomAD); In silico analysis supports that this missense variant has a deleterious effect on protein structure/function; Has not been previously published as pathogenic or benign to our knowledge

NM_012309.5(SHANK2):c.842G>A (p.Cys281Tyr)

Gene: SHANK2 (SH3 and multiple ankyrin repeat domains 2; minus strand). Cytogenetic location: 11q13.4.
Variant type: single nucleotide variant.
Coding change: c.842G>A on transcript NM_012309.5 (MANE Select); coding-DNA position 842, G replaced by A.
Protein change: p.Cys281Tyr; replaces cysteine 281 with tyrosine.
Molecular consequence: missense variant.
Genome position (GRCh38, 1-based): chr11:71,092,492, C>T on the plus strand (G>A on the coding strand, the complement: SHANK2 is on the minus strand). VCF-style: chr11-71092492-C-T. GRCh37 (hg19) VCF-style: chr11-70803538-C-T.
Other names: short protein forms C281Y.
Identifiers: ClinVar variation 3361089 (VCV003361089.1).